The following is an entry in ClinVar:

ClinVar aggregate classification (germline): Benign. Review status: criteria provided, multiple submitters, no conflicts (2 of 4 stars). 2 submissions from 2 submitters: Benign (2). Last evaluated 2018-06-14.

Allele frequency attached by ClinVar (database versions not stated): gnomAD exomes 0.00636; gnomAD 0.04185 and 0.04479; 1000 Genomes Project 0.04253; 1000 Genomes Project 30x 0.04669; TOPMed 0.04859.
gnomAD v4.1: 6,892 of 246,838 alleles (2.8%); highest among the groups gnomAD compares: African/African-American, 13%; 383 homozygotes.

Submissions (2):

GeneDx
Classification: Benign. Last evaluated: 2018-06-14. Review status: criteria provided, single submitter. Criteria: GeneDx Variant Classification (06012015). Collection method: clinical testing. Allele origin: germline. Affected: yes.
Comment: This variant is considered likely benign or benign based on one or more of the following criteria: it is a conservative change, it occurs at a poorly conserved position in the protein, it is predicted to be benign by multiple in silico algorithms, and/or has population frequency not consistent with disease.

Breakthrough Genomics
Classification: Benign. Review status: criteria provided, single submitter. Criteria: ACMG Guidelines, 2015. Collection method: not provided. Allele origin: germline. Inheritance: Autosomal recessive inheritance. Affected: yes.

NM_001875.5(CPS1):c.4102-355T>C

Gene: CPS1 (carbamoyl-phosphate synthase 1; plus strand). Cytogenetic location: 2q34.
Variant type: single nucleotide variant.
Coding change: c.4102-355T>C on transcript NM_001875.5 (MANE Select); 355 bases into the intron before coding-DNA position 4102, T replaced by C.
Molecular consequence: intron variant.
Genome position (GRCh38, 1-based): chr2:210,674,547, T>C. VCF-style: chr2-210674547-T-C. GRCh37 (hg19) VCF-style: chr2-211539271-T-C.
Other names: c.4102-355T>C (NM_001369257.1, NM_001122633.3); c.4135-355T>C (NM_001369256.1).
Identifiers: ClinVar variation 676724 (VCV000676724.2), dbSNP rs11886625, ClinGen allele CA64746678.